The following is an entry in ClinVar:

ClinVar aggregate classification (germline): Likely pathogenic (1 of 4 stars; one submission).

Conditions:
SCN2A-related disorder. Also called: SCN2A-related condition; SCN2A-related disorders. Identifiers: MedGen CN382226, MONDO:1060245.

Submission:

3billion
Classification: Likely pathogenic for SCN2A-related disorder. Last evaluated: 2024-06-14. Review status: criteria provided, single submitter. Criteria: ACMG Guidelines, 2015. Collection method: clinical testing. Allele origin: germline. Affected: yes.
Comment: The variant is not observed in the gnomAD v4.0.0 dataset. Predicted Consequence/Location: Missense variant In silico tool predictions suggest damaging effect of the variant on gene or gene product [REVEL: 0.98 (>=0.6, sensitivity 0.68 and specificity 0.92); 3Cnet: 0.99 (>=0.6, sensitivity 0.72 and precision 0.9)]. A different missense change at the same codon (p.His930Gln) has been reported to be associated with SCN2A related disorder (PMID: 28379373). Therefore, this variant is classified as Likely pathogenic according to the recommendation of ACMG/AMP guideline.

Literature cited by the submitters: PubMed 28379373.

NM_001040142.2(SCN2A):c.2788C>G (p.His930Asp)

Gene: SCN2A (sodium voltage-gated channel alpha subunit 2; plus strand). Cytogenetic location: 2q24.3.
Variant type: single nucleotide variant.
Coding change: c.2788C>G on transcript NM_001040142.2 (MANE Select); coding-DNA position 2788, C replaced by G.
Protein change: p.His930Asp; replaces histidine 930 with aspartic acid.
Molecular consequence: missense variant.
Genome position (GRCh38, 1-based): chr2:165,344,780, C>G. VCF-style: chr2-165344780-C-G. GRCh37 (hg19) VCF-style: chr2-166201290-C-G.
Other names: c.2788C>G, p.His930Asp (NM_001040143.2, NM_001371246.1, NM_001371247.1 and 1 more transcripts); short protein forms H930D.
Identifiers: ClinVar variation 4292323 (VCV004292323.1).